The following is an entry in ClinVar:

ClinVar aggregate classification (germline): Uncertain significance. Review status: criteria provided, multiple submitters, no conflicts (2 of 4 stars). 4 submissions from 4 submitters: Uncertain significance (4). Last evaluated 2026-04-07.

Conditions:
ADGRV1-related disorder. Also called: ADGRV1-related condition; ADGRV1-related disorders.
Inborn genetic diseases. Identifiers: MedGen C0950123, MeSH D030342.

gnomAD v4.1: 4 of 1,557,692 alleles (0.00026%); highest among the groups gnomAD compares: Admixed American, 0.0058%; no homozygotes.

Submissions (4):

PreventionGenetics, part of Exact Sciences
Classification: Uncertain significance for ADGRV1-related condition. Last evaluated: 2026-04-07. Review status: criteria provided, single submitter. Criteria: ACMG Guidelines, 2015. Collection method: clinical testing. Allele origin: germline.
Comment: The ADGRV1 c.705A>T variant is predicted to result in the amino acid substitution p.Gln235His. To our knowledge, this variant has not been reported in the literature or in a large population database (gnomAD), indicating this variant is rare. At this time, the clinical significance of this variant is uncertain due to the absence of conclusive functional and genetic evidence.

Women's Health and Genetics/Laboratory Corporation of America, LabCorp
Classification: Uncertain significance. Last evaluated: 2025-10-28. Review status: criteria provided, single submitter. Criteria: LabCorp Variant Classification Summary - May 2015. Collection method: clinical testing. Allele origin: germline.
Comment: Variant summary: ADGRV1 c.705A>T (p.Gln235His) results in a non-conservative amino acid change in the encoded protein sequence. Algorithms developed to predict the effect of missense changes on protein structure and function are either unavailable or do not agree on the potential impact of this missense change. The variant was absent in 208858 control chromosomes. The available data on variant occurrences in the general population are insufficient to allow any conclusion about variant significance. To our knowledge, no occurrence of c.705A>T in individuals affected with ADGRV1-related conditions and no experimental evidence demonstrating its impact on protein function have been reported. ClinVar contains an entry for this variant (Variation ID: 1935851). Based on the evidence outlined above, the variant was classified as uncertain significance.

Ambry Genetics
Classification: Uncertain significance for Inborn genetic diseases. Last evaluated: 2023-12-15. Review status: criteria provided, single submitter. Criteria: Ambry Variant Classification Scheme 2023. Collection method: clinical testing. Allele origin: germline.

Labcorp Genetics (formerly Invitae), Labcorp
Classification: Uncertain significance. Last evaluated: 2022-01-21. Review status: criteria provided, single submitter. Criteria: Invitae Variant Classification Sherloc (09022015). Collection method: clinical testing. Allele origin: germline.
Comment: This sequence change replaces glutamine, which is neutral and polar, with histidine, which is basic and polar, at codon 235 of the ADGRV1 protein (p.Gln235His). This variant is not present in population databases (gnomAD no frequency). This variant has not been reported in the literature in individuals affected with ADGRV1-related conditions. Algorithms developed to predict the effect of missense changes on protein structure and function output the following: SIFT: "Tolerated"; PolyPhen-2: "Probably Damaging"; Align-GVGD: "Class C0". The histidine amino acid residue is found in multiple mammalian species, which suggests that this missense change does not adversely affect protein function. In summary, the available evidence is currently insufficient to determine the role of this variant in disease. Therefore, it has been classified as a Variant of Uncertain Significance.

NM_032119.4(ADGRV1):c.705A>T (p.Gln235His)

Gene: ADGRV1 (adhesion G protein-coupled receptor V1; plus strand). Cytogenetic location: 5q14.3.
Variant type: single nucleotide variant.
Coding change: c.705A>T on transcript NM_032119.4 (MANE Select); coding-DNA position 705, A replaced by T.
Protein change: p.Gln235His; replaces glutamine 235 with histidine.
Molecular consequence: missense variant. On other transcripts: non-coding transcript variant (1).
Genome position (GRCh38, 1-based): chr5:90,627,243, A>T. VCF-style: chr5-90627243-A-T. GRCh37 (hg19) VCF-style: chr5-89923060-A-T.
Other names: c.705A>T (NM_032119.3); short protein forms Q235H.
Identifiers: ClinVar variation 1935851 (VCV001935851.5), dbSNP rs372853480, ClinGen allele CA360365536.